The following is an entry in ClinVar:

NC_000012.11:g.(?_44180182)_(44180518_?)del

Gene: IRAK4 (interleukin 1 receptor associated kinase 4; plus strand). Cytogenetic location: 12q12.
Variant type: Deletion.
Identifiers: ClinVar variation 1451094 (VCV001451094.9).

ClinVar aggregate classification (germline): Uncertain significance (1 of 4 stars; one submission).

Conditions:
Immunodeficiency 67. Also called: Immunodeficiency due to interleukin-1 receptor-associated kinase-4 deficiency. Identifiers: Orphanet 70592, MedGen C1843256, MONDO:0011888, OMIM 607676.

Submission:

Labcorp Genetics (formerly Invitae), Labcorp
Classification: Uncertain significance for Immunodeficiency 67. Last evaluated: 2022-07-26. Review status: criteria provided, single submitter. Criteria: Invitae Variant Classification Sherloc (09022015). Collection method: clinical testing. Allele origin: germline.
Comment: In summary, the available evidence is currently insufficient to determine the role of this variant in disease. Therefore, it has been classified as a Variant of Uncertain Significance. Experimental studies and prediction algorithms are not available or were not evaluated, and the functional significance of this variant is currently unknown. This variant has not been reported in the literature in individuals affected with IRAK4-related conditions. This variant is a gross deletion of the genomic region encompassing exon(s) 11-12 of the IRAK4 gene, which includes the termination codon. This deletion extends beyond the assayed region for this gene and therefore may encompass additional genes. While this deletion is not anticipated to lead to nonsense mediated decay, it is expected to alter mRNA translation or result in a truncated protein product.